The following is an entry in ClinVar:

NM_000245.4(MET):c.532A>G (p.Ser178Gly)

Gene: MET (MET proto-oncogene, receptor tyrosine kinase; plus strand). Cytogenetic location: 7q31.2.
Variant type: single nucleotide variant.
Coding change: c.532A>G on transcript NM_000245.4 (MANE Select); coding-DNA position 532, A replaced by G.
Protein change: p.Ser178Gly; replaces serine 178 with glycine.
Molecular consequence: missense variant. On other transcripts: intron variant (1).
Genome position (GRCh38, 1-based): chr7:116,699,616, A>G. VCF-style: chr7-116699616-A-G. GRCh37 (hg19) VCF-style: chr7-116339670-A-G.
Other names: c.532A>G, p.Ser178Gly (NM_001127500.3, NM_001324401.3); c.-91+27039A>G (NM_001324402.2); short protein forms S178G.
Identifiers: ClinVar variation 2076486 (VCV002076486.5), dbSNP rs2116591257, ClinGen allele CA368969289.

ClinVar aggregate classification (germline): Uncertain significance. Review status: criteria provided, multiple submitters, no conflicts (2 of 4 stars). 2 submissions from 2 submitters: Uncertain significance (2). Last evaluated 2025-09-02.

Conditions:
Renal cell carcinoma. Identifiers: Orphanet 217071, MedGen C0007134, MeSH D002292, MONDO:0005086, HP:0005584.
Hereditary cancer-predisposing syndrome. Also called: Hereditary Cancer Syndrome; Tumor predisposition; Hereditary neoplastic syndrome; Neoplastic Syndromes, Hereditary. Identifiers: Orphanet 140162, MedGen C0027672, MeSH D009386, MONDO:0015356.

Allele frequency attached by ClinVar (database versions not stated): gnomAD exomes below 0.00001.
gnomAD v4.1: 1 of 1,613,992 alleles (0.000062%); highest among the groups gnomAD compares: Non-Finnish European, 0.000085%; no homozygotes.

Submissions (2):

Labcorp Genetics (formerly Invitae), Labcorp
Classification: Uncertain significance for Renal cell carcinoma. Last evaluated: 2025-09-02. Review status: criteria provided, single submitter. Criteria: Invitae Variant Classification Sherloc (09022015). Collection method: clinical testing. Allele origin: germline.
Comment: This sequence change replaces serine, which is neutral and polar, with glycine, which is neutral and non-polar, at codon 178 of the MET protein (p.Ser178Gly). This variant is not present in population databases (gnomAD no frequency). This variant has not been reported in the literature in individuals affected with MET-related conditions. ClinVar contains an entry for this variant (Variation ID: 2076486). Invitae Evidence Modeling of protein sequence and biophysical properties (such as structural, functional, and spatial information, amino acid conservation, physicochemical variation, residue mobility, and thermodynamic stability) indicates that this missense variant is not expected to disrupt MET protein function with a negative predictive value of 80%. In summary, the available evidence is currently insufficient to determine the role of this variant in disease. Therefore, it has been classified as a Variant of Uncertain Significance.

Ambry Genetics
Classification: Uncertain significance for Hereditary cancer-predisposing syndrome. Last evaluated: 2025-02-14. Review status: criteria provided, single submitter. Criteria: Ambry Variant Classification Scheme 2023. Collection method: clinical testing. Allele origin: germline.
Comment: The p.S178G variant (also known as c.532A>G), located in coding exon 1 of the MET gene, results from an A to G substitution at nucleotide position 532. The serine at codon 178 is replaced by glycine, an amino acid with similar properties. This amino acid position is conserved. In addition, the in silico prediction for this alteration is inconclusive. Based on the available evidence, the clinical significance of this variant remains unclear.